The following is an entry in ClinVar:

NM_001692.4(ATP6V1B1):c.823A>C (p.Thr275Pro)

Gene: ATP6V1B1 (ATPase H+ transporting V1 subunit B1; plus strand). Cytogenetic location: 2p13.3.
Variant type: single nucleotide variant.
Coding change: c.823A>C on transcript NM_001692.4 (MANE Select); coding-DNA position 823, A replaced by C.
Protein change: p.Thr275Pro; replaces threonine 275 with proline.
Molecular consequence: missense variant.
Genome position (GRCh38, 1-based): chr2:70,962,814, A>C. VCF-style: chr2-70962814-A-C. GRCh37 (hg19) VCF-style: chr2-71189944-A-C.
Other names: c.823A>C (NM_001692.3); short protein forms T275P.
Identifiers: ClinVar variation 2734207 (VCV002734207.5), dbSNP rs1161604514, ClinGen allele CA347184733.

ClinVar aggregate classification (germline): Pathogenic/Likely pathogenic. Review status: criteria provided, multiple submitters, no conflicts (2 of 4 stars). 3 submissions from 3 submitters: Pathogenic (1); Likely pathogenic (2). Last evaluated 2024-05-10.

Conditions:
Renal tubular acidosis with progressive nerve deafness. Also called: RENAL TUBULAR ACIDOSIS, AUTOSOMAL RECESSIVE, WITH PROGRESSIVE NERVE DEAFNESS; RTA WITH PROGRESSIVE NERVE DEAFNESS; renal tubular acidosis, distal, 2, with progressive sensorineural hearing loss; Distal Renal Tubular Acidosis with Progressive Sensorineural Deafness. Identifiers: MedGen C0403554, MONDO:0009968, OMIM 267300.

Allele frequency attached by ClinVar (database versions not stated): gnomAD 0.00001.

Submissions (3):

Natera, Inc.
Classification: Likely pathogenic for Renal tubular acidosis with progressive nerve deafness. Last evaluated: 2024-05-10. Review status: criteria provided, single submitter. Criteria: Natera Variant Classification Schema (03/2026). Collection method: clinical testing. Allele origin: germline.
Comment: The c.823A>C variant in ATP6V1B1 is a missense variant predicted to cause substitution of threonine to proline at amino acid 275. This variant is rare in the general population with a frequency below the threshold expected for the associated phenotype(s). This variant has been observed in one or more individuals affected with the associated recessive disease, as either homozygous or compound heterozygous with a second variant (PMID: 9916796, 12414817, 28233610, 37121229). Additionally, this variant has been observed to segregate in affected family members (PMID: 9916796). Computational prediction algorithms indicate this variant is likely to affect gene or protein function. Given the available evidence, this variant is classified as Likely Pathogenic.

Fulgent Genetics
Classification: Likely pathogenic for Renal tubular acidosis with progressive nerve deafness. Last evaluated: 2024-01-10. Review status: criteria provided, single submitter. Criteria: ACMG Guidelines, 2015. Collection method: clinical testing. Allele origin: germline.

Labcorp Genetics (formerly Invitae), Labcorp
Classification: Pathogenic. Last evaluated: 2022-11-19. Review status: criteria provided, single submitter. Criteria: Invitae Variant Classification Sherloc (09022015). Collection method: clinical testing. Allele origin: germline.
Comment: For these reasons, this variant has been classified as Pathogenic. Experimental studies have shown that this missense change affects ATP6V1B1 function (PMID: 16769747, 18368028). Advanced modeling of protein sequence and biophysical properties (such as structural, functional, and spatial information, amino acid conservation, physicochemical variation, residue mobility, and thermodynamic stability) performed at Invitae indicates that this missense variant is expected to disrupt ATP6V1B1 protein function. This missense change has been observed in individual(s) with renal tubular acidosis with deafness (PMID: 9916796, 12414817, 28233610). In at least one individual the data is consistent with being in trans (on the opposite chromosome) from a pathogenic variant. This variant is not present in population databases (gnomAD no frequency). This sequence change replaces threonine, which is neutral and polar, with proline, which is neutral and non-polar, at codon 275 of the ATP6V1B1 protein (p.Thr275Pro).

Literature cited by the submitters: PubMed 9916796 (cited by Natera, Inc. and Labcorp Genetics (formerly Invitae), Labcorp); PubMed 12414817 (cited by Natera, Inc. and Labcorp Genetics (formerly Invitae), Labcorp); PubMed 28233610 (cited by Natera, Inc. and Labcorp Genetics (formerly Invitae), Labcorp); PubMed 37121229 (cited by Natera, Inc.); PubMed 16769747 (cited by Labcorp Genetics (formerly Invitae), Labcorp); PubMed 18368028 (cited by Labcorp Genetics (formerly Invitae), Labcorp).